The following is an entry in ClinVar:

NM_000540.3(RYR1):c.4717C>G (p.Pro1573Ala)

Gene: RYR1 (ryanodine receptor 1; plus strand). Cytogenetic location: 19q13.2.
Variant type: single nucleotide variant.
Coding change: c.4717C>G on transcript NM_000540.3 (MANE Select); coding-DNA position 4717, C replaced by G.
Protein change: p.Pro1573Ala; replaces proline 1573 with alanine.
Molecular consequence: missense variant.
Genome position (GRCh38, 1-based): chr19:38,483,299, C>G. VCF-style: chr19-38483299-C-G. GRCh37 (hg19) VCF-style: chr19-38973939-C-G.
Other names: c.4717C>G, p.Pro1573Ala (NM_001042723.2); short protein forms P1573A.
Identifiers: ClinVar variation 3071516 (VCV003071516.1), dbSNP rs1131691497, ClinGen allele CA405650079.
Genomic context (GRCh38, chr19:38,483,299, plus strand): 5'-GGGACAGAGGGGGCTGGCCATCTTGACCCATGTGTGTCTCTCTGCCCTCAGAACATCATG[C>G]CGTTGTCAGCCGCCATGTTCCAAAGCGAGCGCAAGAACCCGGCCCCGCAGTGCCCACCGC-3'
Protein context (NP_000531.2, residues 1563-1583): FELGKQKNIM[Pro1573Ala]LSAAMFQSER

ClinVar aggregate classification (germline): Uncertain significance (1 of 4 stars; one submission).

Conditions:
Malignant hyperthermia, susceptibility to, 1 (MHS1). Also called: Anesthesia related hyperthermia; Malignant hyperpyrexia; Fulminating hyperpyrexia; Pharmacogenic myopathy; RYR1-Related Malignant Hyperthermia Susceptibility; Malignant hyperthermia suceptibility 1. Identifiers: Orphanet 423, MedGen C2930980, MONDO:0007783, OMIM 145600.

Submission:

All of Us Research Program, National Institutes of Health
Classification: Uncertain significance for Malignant hyperthermia, susceptibility to, 1. Last evaluated: 2023-06-08. Review status: criteria provided, single submitter. Criteria: ACMG Guidelines, 2015. Collection method: clinical testing. Allele origin: germline. Inheritance: Autosomal dominant inheritance. Observed: 1 variant allele, 1 heterozygote.
Comment: This missense variant replaces proline with alanine at codon 1573 of the RYR1 protein. Computational prediction suggests that this variant may have deleterious impact on protein structure and function (internally defined REVEL score threshold >= 0.7, PMID: 27666373). To our knowledge, functional studies have not been reported for this variant. This variant has not been reported in individuals affected with RYR1-related disorders in the literature. This variant has not been identified in the general population by the Genome Aggregation Database (gnomAD). The available evidence is insufficient to determine the role of this variant in disease conclusively. Therefore, this variant is classified as a Variant of Uncertain Significance.

This study involves interpretation of variants in research participants for the purpose of population health screening. Participant phenotype was not available at the time of variant classification. Additional details can be found in publication PMID: 35346344, PMCID: PMC8962531